The following is an entry in ClinVar:

ClinVar aggregate classification (germline): Uncertain significance (1 of 4 stars; one submission).

Allele frequency attached by ClinVar (database versions not stated): gnomAD exomes below 0.00001; TOPMed 0.00001.
gnomAD v4.1: 1 of 1,551,546 alleles (0.000064%); highest among the groups gnomAD compares: Non-Finnish European, 0.000087%; no homozygotes.

Submission:

Labcorp Genetics (formerly Invitae), Labcorp
Classification: Uncertain significance. Last evaluated: 2022-05-30. Review status: criteria provided, single submitter. Criteria: Invitae Variant Classification Sherloc (09022015). Collection method: clinical testing. Allele origin: germline.
Comment: This sequence change replaces serine, which is neutral and polar, with proline, which is neutral and non-polar, at codon 3245 of the CDH23 protein (p.Ser3245Pro). The frequency data for this variant in the population databases is considered unreliable, as metrics indicate poor data quality at this position in the gnomAD database. This variant has not been reported in the literature in individuals affected with CDH23-related conditions. Algorithms developed to predict the effect of missense changes on protein structure and function are either unavailable or do not agree on the potential impact of this missense change (SIFT: "Deleterious"; PolyPhen-2: "Not Available"; Align-GVGD: "Class C0"). In summary, the available evidence is currently insufficient to determine the role of this variant in disease. Therefore, it has been classified as a Variant of Uncertain Significance.

NM_022124.6(CDH23):c.9733T>C (p.Ser3245Pro)

Gene: CDH23 (cadherin related 23; plus strand). Cytogenetic location: 10q22.1.
Variant type: single nucleotide variant.
Coding change: c.9733T>C on transcript NM_022124.6 (MANE Select); coding-DNA position 9733, T replaced by C.
Protein change: p.Ser3245Pro; replaces serine 3245 with proline.
Molecular consequence: missense variant. On other transcripts: intron variant (2).
Genome position (GRCh38, 1-based): chr10:71,813,343, T>C. VCF-style: chr10-71813343-T-C. GRCh37 (hg19) VCF-style: chr10-73573100-T-C.
Other names: c.3013T>C, p.Ser1005Pro (NM_001171933.1); c.424T>C, p.Ser142Pro (NM_001171935.1); c.2913+453T>C (NM_001171934.1); c.324+453T>C (NM_001171936.1); short protein forms S1005P, S142P, S3245P.
Identifiers: ClinVar variation 2419434 (VCV002419434.2), dbSNP rs1177365504, ClinGen allele CA377137415.
Genomic context (GRCh38, chr10:71,813,343, plus strand): 5'-CTCAAAAAGCTCTTTGCACAGCGGATGGTGCAAAAAGCCTCCTCCTGCCACTCCTCCATC[T>C]CTGAGGTAGCCGGCTGGGTGGCTGGGAGCTGTGTGCTGTGCCCCAGCCTGGGGATGCTCT-3'
Protein context (NP_071407.4, residues 3235-3255): QKASSCHSSI[Ser3245Pro]ELIQTELDEE